The following is an entry in ClinVar:

ClinVar aggregate classification (germline): Benign/Likely benign. Review status: criteria provided, multiple submitters, no conflicts (2 of 4 stars). 10 submissions from 10 submitters: Benign (8); Likely benign (1). 1 of the submissions does not count toward it. Last evaluated 2026-06-26.

Conditions:
Plasma factor XI deficiency.
Hereditary factor XI deficiency disease. Also called: Congenital factor XI deficiency; PLASMA THROMBOPLASTIN ANTECEDENT DEFICIENCY; PTA DEFICIENCY; ROSENTHAL SYNDROME. Identifiers: Orphanet 329, MedGen C0015523, MeSH D005173, MONDO:0012897, OMIM 612416.

Allele frequency attached by ClinVar (database versions not stated): gnomAD 0.04596 and 0.04729; ESP Exome Variant Server 0.04659; TOPMed 0.04832; gnomAD exomes 0.04888 and 0.05560; ExAC 0.05457; 1000 Genomes Project 30x 0.05590; 1000 Genomes Project 0.05831.
gnomAD v4.1: 78,816 of 1,614,124 alleles (4.9%); highest among the groups gnomAD compares: Middle Eastern, 11%; 2,251 homozygotes.

Submissions (10):

Women's Health and Genetics/Laboratory Corporation of America, LabCorp
Classification: Benign. Last evaluated: 2026-06-26. Review status: criteria provided, single submitter. Criteria: LabCorp Variant Classification Summary - May 2015. Collection method: clinical testing. Allele origin: germline.

Labcorp Genetics (formerly Invitae), Labcorp
Classification: Benign. Last evaluated: 2026-02-04. Review status: criteria provided, single submitter. Criteria: Invitae Variant Classification Sherloc (09022015). Collection method: clinical testing. Allele origin: germline.

Blueprint Genetics
Classification: Likely benign. Last evaluated: 2024-11-26. Review status: criteria provided, single submitter. Criteria: ACMG Guidelines, 2015. Collection method: clinical testing. Allele origin: germline.

Mayo Clinic Laboratories, Mayo Clinic
Classification: Benign. Last evaluated: 2022-12-05. Review status: criteria provided, single submitter. Criteria: ACMG Guidelines, 2015. Collection method: clinical testing. Allele origin: germline. Observed: 20 variant alleles.
Comment: BS1, BS2, BP4, BP6, BP7

Genome-Nilou Lab
Classification: Benign for Hereditary factor XI deficiency disease. Last evaluated: 2021-07-10. Review status: criteria provided, single submitter. Criteria: ACMG Guidelines, 2015. Collection method: clinical testing. Allele origin: germline. Affected: no.

GeneDx
Classification: Benign. Last evaluated: 2021-05-04. Review status: criteria provided, single submitter. Criteria: GeneDx Variant Classification Process June 2021. Collection method: clinical testing. Allele origin: germline. Affected: yes.

Illumina Laboratory Services, Illumina
Classification: Benign for Hereditary factor XI deficiency disease. Last evaluated: 2018-01-12. Review status: criteria provided, single submitter. Criteria: ICSL Variant Classification Criteria 13 December 2019. Collection method: clinical testing. Allele origin: germline.
Comment: This variant was observed in the ICSL laboratory as part of a predisposition screen in an ostensibly healthy population. It had not been previously curated by ICSL or reported in the Human Gene Mutation Database (HGMD: prior to June 1st, 2018), and was therefore a candidate for classification through an automated scoring system. Utilizing variant allele frequency, disease prevalence and penetrance estimates, and inheritance mode, an automated score was calculated to assess if this variant is too frequent to cause the disease. Based on the score and internal cut-off values, a variant classified as benign is not then subjected to further curation. The score for this variant resulted in a classification of benign for this disease.

Breakthrough Genomics
Classification: Benign. Review status: criteria provided, single submitter. Criteria: ACMG Guidelines, 2015. Collection method: not provided. Allele origin: germline. Inheritance: Unknown mechanism. Affected: yes.

PreventionGenetics, part of Exact Sciences
Classification: Benign. Review status: criteria provided, single submitter. Criteria: ACMG Guidelines, 2015. Collection method: clinical testing. Allele origin: germline.

Natera, Inc.
Classification: Benign for Plasma factor XI deficiency. Last evaluated: 2019-11-22. Review status: no assertion criteria provided. Collection method: clinical testing. Allele origin: germline. Not counted in ClinVar's aggregate classification.

NM_000128.4(F11):c.1839G>A (p.Glu613=)

Genes: F11 (coagulation factor XI; plus strand), F11-AS1 (F11 antisense RNA 1; minus strand). Cytogenetic location: 4q35.2.
Variant type: single nucleotide variant.
Coding change: c.1839G>A on transcript NM_000128.4 (MANE Select); coding-DNA position 1839, G replaced by A.
Protein change: p.Glu613=; no amino-acid change (glutamic acid 613 retained).
Molecular consequence: synonymous variant. On other transcripts: non-coding transcript variant (1).
Genome position (GRCh38, 1-based): chr4:186,288,575, G>A. VCF-style: chr4-186288575-G-A. GRCh37 (hg19) VCF-style: chr4-187209729-G-A.
Other names: p.Glu613=.
Identifiers: ClinVar variation 255179 (VCV000255179.24), dbSNP rs5976, ClinGen allele CA3164140.